The following is an entry in ClinVar:

NM_016617.4(UFM1):c.2+1G>A

Gene: UFM1 (ubiquitin fold modifier 1; plus strand). Cytogenetic location: 13q13.3.
Variant type: single nucleotide variant.
Coding change: c.2+1G>A on transcript NM_016617.4 (MANE Select); the canonical splice donor site of the intron after coding-DNA position 2, G replaced by A.
Molecular consequence: splice donor variant, initiator codon variant.
Genome position (GRCh38, 1-based): chr13:38,349,922, G>A. VCF-style: chr13-38349922-G-A. GRCh37 (hg19) VCF-style: chr13-38924059-G-A.
Other names: c.-117+1G>A (NM_001286704.2); c.2+1G>A (NM_001286705.2, NM_001286703.2, NM_001286706.2).
Identifiers: ClinVar variation 3358901 (VCV003358901.1).
Genomic context (GRCh38, chr13:38,349,922, plus strand): 5'-GGAAGTCGTGCTACCCCCGCGGAGTTGTCGTGTGTTCTGGATTCATTCCGGCACCACCAT[G>A]TAAGTGTTTGCTTACCGACTGCCATAATTCCTGGTCCAGCTGCCCGACCCTGACTCTCTC-3'

ClinVar aggregate classification (germline): Likely pathogenic (0 of 4 stars; one submission).

Conditions:
Familial long QT syndrome (RWS). Also called: Romano-Ward syndrome; VENTRICULAR FIBRILLATION WITH PROLONGED QT INTERVAL; Congenital long QT syndrome. Identifiers: Orphanet 768, MedGen C1141890, MONDO:0019171.

Submission:

Genetics and Genomics Program, Sidra Medicine
Classification: Likely pathogenic for Isolated congenital long QT syndrome. Review status: no assertion criteria provided. Collection method: research. Allele origin: unknown. Affected: yes.
Comment: The c.-117+1G>A splice donor variant in UFM1 is a null variant (intronic, within ±2 of the splice site), likely leading to loss of function (PVS1). The variant is absent from gnomAD supporting its rarity (PM2). The evidence supports a likely pathogenic classification (ACMG codes: PVS1, PM2).